The following is an entry in ClinVar:

ClinVar aggregate classification (germline): Uncertain significance. Review status: criteria provided, multiple submitters, no conflicts (2 of 4 stars). 2 submissions from 2 submitters: Uncertain significance (2). Last evaluated 2024-10-12.

Conditions:
Developmental and epileptic encephalopathy, 42 (DEE42A). Also called: DEVELOPMENTAL AND EPILEPTIC ENCEPHALOPATHY 42A; EPILEPTIC ENCEPHALOPATHY, EARLY INFANTILE, 42A; Epileptic encephalopathy, early infantile, 42. Identifiers: MedGen C4310716, MONDO:0014917, OMIM 617106.
Episodic ataxia type 2 (EA2). Also called: ACETAZOLAMIDE-RESPONSIVE HEREDITARY PAROXYSMAL CEREBELLAR ATAXIA; EPISODIC ATAXIA, NYSTAGMUS-ASSOCIATED; ATAXIA, EPISODIC, WITH NYSTAGMUS; ATAXIA, FAMILIAL PAROXYSMAL; CEREBELLAR ATAXIA, PAROXYSMAL, ACETAZOLAMIDE-RESPONSIVE; CEREBELLOPATHY, HEREDITARY PAROXYSMAL. Identifiers: Orphanet 97, MedGen C1720416, MONDO:0007163, OMIM 108500.

Submissions (2):

Labcorp Genetics (formerly Invitae), Labcorp
Classification: Uncertain significance for Developmental and epileptic encephalopathy, 42; Episodic ataxia type 2. Last evaluated: 2024-10-12. Review status: criteria provided, single submitter. Criteria: Invitae Variant Classification Sherloc (09022015). Collection method: clinical testing. Allele origin: germline.
Comment: This sequence change replaces glycine, which is neutral and non-polar, with cysteine, which is neutral and slightly polar, at codon 2253 of the CACNA1A protein (p.Gly2253Cys). This variant is not present in population databases (gnomAD no frequency). This variant has not been reported in the literature in individuals affected with CACNA1A-related conditions. ClinVar contains an entry for this variant (Variation ID: 1020114). Invitae Evidence Modeling of protein sequence and biophysical properties (such as structural, functional, and spatial information, amino acid conservation, physicochemical variation, residue mobility, and thermodynamic stability) has been performed for this missense variant. However, the output from this modeling did not meet the statistical confidence thresholds required to predict the impact of this variant on CACNA1A protein function. In summary, the available evidence is currently insufficient to determine the role of this variant in disease. Therefore, it has been classified as a Variant of Uncertain Significance.

Baylor Genetics
Classification: Uncertain significance for Developmental and epileptic encephalopathy, 42. Last evaluated: 2019-02-23. Review status: criteria provided, single submitter. Criteria: ACMG Guidelines, 2015. Collection method: clinical testing. Allele origin: paternal. Affected: yes.
Comment: This variant was determined to be of uncertain significance according to ACMG Guidelines, 2015 [PMID:25741868].

NM_001127222.2(CACNA1A):c.6754G>T (p.Gly2252Cys)

Genes: CACNA1A (calcium voltage-gated channel subunit alpha1 A; minus strand), LOC130063717 (ATAC-STARR-seq lymphoblastoid silent region 10203; plus strand). Cytogenetic location: 19p13.13.
Variant type: single nucleotide variant.
Coding change: c.6754G>T on transcript NM_001127222.2 (MANE Select); coding-DNA position 6754, G replaced by T.
Protein change: p.Gly2252Cys; replaces glycine 2252 with cysteine.
Molecular consequence: missense variant.
Genome position (GRCh38, 1-based): chr19:13,208,782, C>A on the plus strand (G>T on the coding strand, the complement: CACNA1A is on the minus strand). VCF-style: chr19-13208782-C-A. GRCh37 (hg19) VCF-style: chr19-13319596-C-A.
Other names: c.6772G>T, p.Gly2258Cys (NM_000068.4, NM_023035.3); c.6757G>T, p.Gly2253Cys (NM_001127221.2); c.6763G>T, p.Gly2255Cys (NM_001174080.2); short protein forms G2252C, G2253C, G2255C, G2258C.
Identifiers: ClinVar variation 1020114 (VCV001020114.13), dbSNP rs1433873178, ClinGen allele CA404329416.